The following is an entry in ClinVar:

ClinVar aggregate classification (germline): Uncertain significance (1 of 4 stars; one submission).

Conditions:
Charcot-Marie-Tooth disease type 2. Also called: Charcot-Marie-Tooth type 2. Identifiers: Orphanet 64746, MedGen C0270914, MONDO:0018993.

Allele frequency attached by ClinVar (database versions not stated): gnomAD exomes below 0.00001.
gnomAD v4.1: 1 of 1,609,072 alleles (0.000062%); highest among the groups gnomAD compares: Non-Finnish European, 0.000085%; no homozygotes.

Submission:

Labcorp Genetics (formerly Invitae), Labcorp
Classification: Uncertain significance for Charcot-Marie-Tooth disease type 2. Last evaluated: 2022-03-26. Review status: criteria provided, single submitter. Criteria: Invitae Variant Classification Sherloc (09022015). Collection method: clinical testing. Allele origin: germline.
Comment: In summary, the available evidence is currently insufficient to determine the role of this variant in disease. Therefore, it has been classified as a Variant of Uncertain Significance. Algorithms developed to predict the effect of missense changes on protein structure and function are either unavailable or do not agree on the potential impact of this missense change (SIFT: "Deleterious"; PolyPhen-2: "Benign"; Align-GVGD: "Class C0"). This variant has not been reported in the literature in individuals affected with MFN2-related conditions. This variant is not present in population databases (gnomAD no frequency). This sequence change replaces methionine, which is neutral and non-polar, with threonine, which is neutral and polar, at codon 616 of the MFN2 protein (p.Met616Thr).

NM_014874.4(MFN2):c.1847T>C (p.Met616Thr)

Gene: MFN2 (mitofusin 2; plus strand). Cytogenetic location: 1p36.22.
Variant type: single nucleotide variant.
Coding change: c.1847T>C on transcript NM_014874.4 (MANE Select); coding-DNA position 1847, T replaced by C.
Protein change: p.Met616Thr; replaces methionine 616 with threonine.
Molecular consequence: missense variant.
Genome position (GRCh38, 1-based): chr1:12,006,668, T>C. VCF-style: chr1-12006668-T-C. GRCh37 (hg19) VCF-style: chr1-12066725-T-C.
Other names: c.1847T>C, p.Met616Thr (NM_001127660.2); short protein forms M616T.
Identifiers: ClinVar variation 2117861 (VCV002117861.4), dbSNP rs2523095418, ClinGen allele CA338449385.